The following is an entry in ClinVar:

NM_001291303.3(FAT4):c.5890C>A (p.Leu1964Ile)

Gene: FAT4 (FAT atypical cadherin 4; plus strand). Cytogenetic location: 4q28.1.
Variant type: single nucleotide variant.
Coding change: c.5890C>A on transcript NM_001291303.3 (MANE Select); coding-DNA position 5890, C replaced by A.
Protein change: p.Leu1964Ile; replaces leucine 1964 with isoleucine.
Molecular consequence: missense variant.
Genome position (GRCh38, 1-based): chr4:125,408,764, C>A. VCF-style: chr4-125408764-C-A. GRCh37 (hg19) VCF-style: chr4-126329919-C-A.
Other names: c.5890C>A, p.Leu1964Ile (NM_001291285.3, NM_024582.6); short protein forms L1964I.
Identifiers: ClinVar variation 3340759 (VCV003340759.15).

ClinVar aggregate classification (germline): Uncertain significance. Review status: criteria provided, multiple submitters, no conflicts (2 of 4 stars). 2 submissions from 2 submitters: Uncertain significance (2). Last evaluated 2024-09-01.

gnomAD v4.1: 3 of 1,578,158 alleles (0.00019%); highest among the groups gnomAD compares: African/African-American, 0.0014%; no homozygotes.

Submissions (2):

CeGaT Center for Human Genetics Tuebingen
Classification: Uncertain significance. Last evaluated: 2024-09-01. Review status: criteria provided, single submitter. Criteria: CeGaT Center For Human Genetics Tuebingen Variant Classification Criteria Version 2. Collection method: clinical testing. Allele origin: germline. Affected: yes. Observed: 1 variant allele.
Comment: FAT4: PM2

GeneDx
Classification: Uncertain significance. Last evaluated: 2024-01-12. Review status: criteria provided, single submitter. Criteria: GeneDx Variant Classification Process June 2021. Collection method: clinical testing. Allele origin: germline. Affected: yes.
Comment: Not observed at significant frequency in large population cohorts (gnomAD); In silico analysis supports that this missense variant does not alter protein structure/function; Has not been previously published as pathogenic or benign to our knowledge